The following is an entry in ClinVar:

NM_004341.5(CAD):c.46C>G (p.Pro16Ala)

Gene: CAD (carbamoyl-phosphate synthetase 2, aspartate transcarbamylase, and dihydroorotase; plus strand). Cytogenetic location: 2p23.3.
Variant type: single nucleotide variant.
Coding change: c.46C>G on transcript NM_004341.5 (MANE Select); coding-DNA position 46, C replaced by G.
Protein change: p.Pro16Ala; replaces proline 16 with alanine.
Molecular consequence: missense variant.
Genome position (GRCh38, 1-based): chr2:27,217,597, C>G. VCF-style: chr2-27217597-C-G. GRCh37 (hg19) VCF-style: chr2-27440465-C-G.
Other names: c.46C>G, p.Pro16Ala (NM_001306079.2); short protein forms P16A.
Identifiers: ClinVar variation 1995917 (VCV001995917.4), dbSNP rs2465270676, ClinGen allele CA346195916.

ClinVar aggregate classification (germline): Uncertain significance (1 of 4 stars; one submission).

Submission:

Labcorp Genetics (formerly Invitae), Labcorp
Classification: Uncertain significance. Last evaluated: 2024-10-25. Review status: criteria provided, single submitter. Criteria: Invitae Variant Classification Sherloc (09022015). Collection method: clinical testing. Allele origin: germline.
Comment: This sequence change replaces proline, which is neutral and non-polar, with alanine, which is neutral and non-polar, at codon 16 of the CAD protein (p.Pro16Ala). This variant is not present in population databases (gnomAD no frequency). This variant has not been reported in the literature in individuals affected with CAD-related conditions. ClinVar contains an entry for this variant (Variation ID: 1995917). Invitae Evidence Modeling of protein sequence and biophysical properties (such as structural, functional, and spatial information, amino acid conservation, physicochemical variation, residue mobility, and thermodynamic stability) indicates that this missense variant is not expected to disrupt CAD protein function with a negative predictive value of 80%. In summary, the available evidence is currently insufficient to determine the role of this variant in disease. Therefore, it has been classified as a Variant of Uncertain Significance.